The following is an entry in ClinVar:

NM_002979.5(SCP2):c.136G>A (p.Ala46Thr)

Gene: SCP2 (sterol carrier protein 2; plus strand). Cytogenetic location: 1p32.3.
Variant type: single nucleotide variant.
Coding change: c.136G>A on transcript NM_002979.5 (MANE Select); coding-DNA position 136, G replaced by A.
Protein change: p.Ala46Thr; replaces alanine 46 with threonine.
Molecular consequence: missense variant. On other transcripts: 5 prime UTR variant (1), intron variant (1).
Genome position (GRCh38, 1-based): chr1:52,948,017, G>A. VCF-style: chr1-52948017-G-A. GRCh37 (hg19) VCF-style: chr1-53413689-G-A.
Other names: c.136G>A, p.Ala46Thr (NM_001007098.3, NM_001193600.2, NM_001330587.2); c.-108G>A (NM_001193617.2); c.128-2738G>A (NM_001193599.2); short protein forms A46T.
Identifiers: ClinVar variation 1368715 (VCV001368715.4), dbSNP rs144647557, ClinGen allele CA857029.

ClinVar aggregate classification (germline): Uncertain significance (1 of 4 stars; one submission).

Allele frequency attached by ClinVar (database versions not stated): ExAC 0.00002; gnomAD exomes 0.00002 and 0.00005; TOPMed 0.00002; gnomAD 0.00003 and 0.00004; ESP Exome Variant Server 0.00008.
gnomAD v4.1: 71 of 1,611,562 alleles (0.0044%); highest among the groups gnomAD compares: Non-Finnish European, 0.0057%; no homozygotes.

Submission:

Labcorp Genetics (formerly Invitae), Labcorp
Classification: Uncertain significance. Last evaluated: 2023-11-27. Review status: criteria provided, single submitter. Criteria: Invitae Variant Classification Sherloc (09022015). Collection method: clinical testing. Allele origin: germline.
Comment: This sequence change replaces alanine, which is neutral and non-polar, with threonine, which is neutral and polar, at codon 46 of the SCP2 protein (p.Ala46Thr). This variant is present in population databases (rs144647557, gnomAD 0.004%). This variant has not been reported in the literature in individuals affected with SCP2-related conditions. ClinVar contains an entry for this variant (Variation ID: 1368715). An algorithm developed to predict the effect of missense changes on protein structure and function (PolyPhen-2) suggests that this variant is likely to be disruptive. In summary, the available evidence is currently insufficient to determine the role of this variant in disease. Therefore, it has been classified as a Variant of Uncertain Significance.